The following is an entry in ClinVar:

NM_001278064.2(GRM1):c.2577T>C (p.His859=)

Gene: GRM1 (glutamate metabotropic receptor 1; plus strand). Cytogenetic location: 6q24.3.
Variant type: single nucleotide variant.
Coding change: c.2577T>C on transcript NM_001278064.2 (MANE Select); coding-DNA position 2577, T replaced by C.
Protein change: p.His859=; no amino-acid change (histidine 859 retained).
Molecular consequence: synonymous variant.
Genome position (GRCh38, 1-based): chr6:146,399,616, T>C. VCF-style: chr6-146399616-T-C. GRCh37 (hg19) VCF-style: chr6-146720752-T-C.
Other names: c.2577T>C, p.His859= (NM_001278065.2, NM_001278066.1, NM_001278067.1).
Identifiers: ClinVar variation 3571634 (VCV003571634.1).
Genomic context (GRCh38, chr6:146,399,616, plus strand): 5'-TGCCAAGCCTGAGAGGAATGTCCGCAGTGCCTTCACCACCTCTGATGTTGTCCGCATGCA[T>C]GTTGGCGATGGCAAGCTGCCCTGCCGCTCCAACACTTTCCTCAACATCTTCCGAAGAAAG-3'
Protein context (NP_001264993.1, residues 849-869): AFTTSDVVRM[His859=]VGDGKLPCRS

ClinVar aggregate classification (germline): Uncertain significance (1 of 4 stars; one submission).

gnomAD v4.1: 4 of 1,614,104 alleles (0.00025%); highest among the groups gnomAD compares: Non-Finnish European, 0.00034%; no homozygotes.

Submission:

Athena Diagnostics
Classification: Uncertain significance. Last evaluated: 2024-05-03. Review status: criteria provided, single submitter. Criteria: Athena Diagnostics Criteria. Collection method: clinical testing. Allele origin: unknown.
Comment: Available data are insufficient to determine the clinical significance of the variant at this time. This variant has not been reported in large, multi-ethnic general populations. Computational tools yielded predictions that this variant is unlikely to have an effect on normal RNA splicing.